The following is an entry in ClinVar:

ClinVar aggregate classification (germline): Likely benign. Review status: criteria provided, multiple submitters, no conflicts (2 of 4 stars). 2 submissions from 2 submitters: Likely benign (2). Last evaluated 2023-03-13.

Allele frequency attached by ClinVar (database versions not stated): ExAC 0.00168; 1000 Genomes Project 30x 0.00203; gnomAD 0.00205; 1000 Genomes Project 0.00100.

Submissions (2):

Blueprint Genetics
Classification: Likely benign. Last evaluated: 2023-03-13. Review status: criteria provided, single submitter. Criteria: ACMG Guidelines, 2015. Collection method: clinical testing. Allele origin: germline.

CeGaT Center for Human Genetics Tuebingen
Classification: Likely benign. Last evaluated: 2022-11-01. Review status: criteria provided, single submitter. Criteria: CeGaT Center For Human Genetics Tuebingen Variant Classification Criteria Version 2. Collection method: clinical testing. Allele origin: germline. Affected: yes. Observed: 1 variant allele.
Comment: ICOSLG: BP4, BS2

NM_015259.6(ICOSLG):c.898+123T>A

Gene: ICOSLG (inducible T cell costimulator ligand; minus strand). Cytogenetic location: 21q22.3.
Variant type: single nucleotide variant.
Coding change: c.898+123T>A on transcript NM_015259.6 (MANE Select); 123 bases into the intron after coding-DNA position 898, T replaced by A.
Molecular consequence: intron variant.
Genome position (GRCh38, 1-based): chr21:44,229,931, A>T on the plus strand (T>A on the coding strand, the complement: ICOSLG is on the minus strand). VCF-style: chr21-44229931-A-T. GRCh37 (hg19) VCF-style: chr21-45649814-A-T.
Other names: c.547+123T>A (NM_001283051.2); c.643+123T>A (NM_001283052.2); c.898+123T>A (NM_001283050.2, NM_001395918.1); c.817+123T>A (NM_001365759.2).
Identifiers: ClinVar variation 1879545 (VCV001879545.30), dbSNP rs200250197, ClinGen allele CA321495286.